The following is an entry in ClinVar:

NM_032737.4(LMNB2):c.1253C>T (p.Thr418Ile)

Gene: LMNB2 (lamin B2; minus strand). Cytogenetic location: 19p13.3.
Variant type: single nucleotide variant.
Coding change: c.1253C>T on transcript NM_032737.4 (MANE Select); coding-DNA position 1253, C replaced by T.
Protein change: p.Thr418Ile; replaces threonine 418 with isoleucine.
Molecular consequence: missense variant.
Genome position (GRCh38, 1-based): chr19:2,434,055, G>A on the plus strand (C>T on the coding strand, the complement: LMNB2 is on the minus strand). VCF-style: chr19-2434055-G-A. GRCh37 (hg19) VCF-style: chr19-2434053-G-A.
Other names: short protein forms T418I.
Identifiers: ClinVar variation 1425101 (VCV001425101.8), dbSNP rs532971889, ClinGen allele CA9067556.

ClinVar aggregate classification (germline): Uncertain significance (1 of 4 stars; one submission).

Conditions:
Lipodystrophy, partial, acquired, susceptibility to (APLD). Also called: APLD, SUSCEPTIBILITY TO. Identifiers: MedGen C3887501, MONDO:0100476, OMIM 608709.
Progressive myoclonic epilepsy type 9. Identifiers: Orphanet 457265, MedGen C4225289, MONDO:0014685, OMIM 616540.

Allele frequency attached by ClinVar (database versions not stated): gnomAD exomes below 0.00001; gnomAD 0.00001; ExAC 0.00002; TOPMed 0.00003.
gnomAD v4.1: 7 of 1,600,588 alleles (0.00044%); highest among the groups gnomAD compares: African/African-American, 0.0094%; no homozygotes.

Submission:

Labcorp Genetics (formerly Invitae), Labcorp
Classification: Uncertain significance for Progressive myoclonic epilepsy type 9; Lipodystrophy, partial, acquired, susceptibility to. Last evaluated: 2025-01-06. Review status: criteria provided, single submitter. Criteria: Invitae Variant Classification Sherloc (09022015). Collection method: clinical testing. Allele origin: germline.
Comment: This sequence change replaces threonine, which is neutral and polar, with isoleucine, which is neutral and non-polar, at codon 418 of the LMNB2 protein (p.Thr418Ile). This variant is present in population databases (rs532971889, gnomAD 0.008%). This variant has not been reported in the literature in individuals affected with LMNB2-related conditions. ClinVar contains an entry for this variant (Variation ID: 1425101). Invitae Evidence Modeling of protein sequence and biophysical properties (such as structural, functional, and spatial information, amino acid conservation, physicochemical variation, residue mobility, and thermodynamic stability) indicates that this missense variant is expected to disrupt LMNB2 protein function with a positive predictive value of 80%. In summary, the available evidence is currently insufficient to determine the role of this variant in disease. Therefore, it has been classified as a Variant of Uncertain Significance.